The following is an entry in ClinVar:

ClinVar aggregate classification (germline): Likely benign. Review status: criteria provided, multiple submitters, no conflicts (2 of 4 stars). 2 submissions from 2 submitters: Likely benign (2). Last evaluated 2024-09-25.

Allele frequency attached by ClinVar (database versions not stated): ExAC 0.00006; TOPMed 0.00006; gnomAD 0.00007; gnomAD exomes 0.00014; ESP Exome Variant Server 0.00015.
gnomAD v4.1: 211 of 1,609,368 alleles (0.013%); highest among the groups gnomAD compares: Middle Eastern, 0.016%; no homozygotes.

Submissions (2):

Women's Health and Genetics/Laboratory Corporation of America, LabCorp
Classification: Likely benign. Last evaluated: 2024-09-25. Review status: criteria provided, single submitter. Criteria: LabCorp Variant Classification Summary - May 2015. Collection method: clinical testing. Allele origin: germline.
Comment: Variant summary: ELMOD3 c.702G>A alters a conserved nucleotide resulting in a synonymous change. Consensus agreement among computation tools predict no significant impact on normal splicing. However, these predictions have yet to be confirmed by functional studies. The variant allele was found at a frequency of 8.1e-05 in 246632 control chromosomes, predominantly at a frequency of 0.0002 within the South Asian subpopulation in the gnomAD database. The available data on variant occurrences in the general population are insufficient to allow any conclusion about variant significance. To our knowledge, no occurrence of c.702G>A in individuals affected with ELMOD3-Related Disorder and no experimental evidence demonstrating its impact on protein function have been reported. ClinVar contains an entry for this variant (Variation ID: 2887932). Based on the evidence outlined above, the variant was classified as likely benign.

Labcorp Genetics (formerly Invitae), Labcorp
Classification: Likely benign. Last evaluated: 2023-07-12. Review status: criteria provided, single submitter. Criteria: Invitae Variant Classification Sherloc (09022015). Collection method: clinical testing. Allele origin: germline.

NM_001135022.2(ELMOD3):c.702G>A (p.Ala234=)

Gene: ELMOD3 (ELMO domain containing 3; plus strand). Cytogenetic location: 2p11.2.
Variant type: single nucleotide variant.
Coding change: c.702G>A on transcript NM_001135022.2 (MANE Select); coding-DNA position 702, G replaced by A.
Protein change: p.Ala234=; no amino-acid change (alanine 234 retained).
Molecular consequence: synonymous variant. On other transcripts: non-coding transcript variant (3).
Genome position (GRCh38, 1-based): chr2:85,377,438, G>A. VCF-style: chr2-85377438-G-A. GRCh37 (hg19) VCF-style: chr2-85604561-G-A.
Other names: c.702G>A, p.Ala234= (NM_001135021.2, NM_001135023.2, NM_001329791.2 and 3 more transcripts).
Identifiers: ClinVar variation 2887932 (VCV002887932.4), dbSNP rs371072018, ClinGen allele CA1740435.